The following is an entry in ClinVar:

ClinVar aggregate classification (germline): Conflicting classifications of pathogenicity. Review status: criteria provided, conflicting classifications (1 of 4 stars). 4 submissions from 4 submitters: Uncertain significance (1); Likely benign (3). Last evaluated 2026-02-02.

Conditions:
Bardet-Biedl syndrome (BBS). Identifiers: Orphanet 110, MedGen C0752166, MONDO:0015229.

Allele frequency attached by ClinVar (database versions not stated): gnomAD exomes 0.00017 and 0.00048; ExAC 0.00056; ESP Exome Variant Server 0.00132; gnomAD 0.00188 and 0.00202; TOPMed 0.00221; 1000 Genomes Project 30x 0.00328; 1000 Genomes Project 0.00359.
gnomAD v4.1: 521 of 1,612,386 alleles (0.032%); highest among the groups gnomAD compares: African/African-American, 0.67%; 1 homozygote.

Submissions (4):

Labcorp Genetics (formerly Invitae), Labcorp
Classification: Likely benign for Bardet-Biedl syndrome. Last evaluated: 2026-02-02. Review status: criteria provided, single submitter. Criteria: Invitae Variant Classification Sherloc (09022015). Collection method: clinical testing. Allele origin: germline.

Blueprint Genetics
Classification: Likely benign. Last evaluated: 2024-10-22. Review status: criteria provided, single submitter. Criteria: ACMG Guidelines, 2015. Collection method: clinical testing. Allele origin: germline.

GeneDx
Classification: Uncertain significance. Last evaluated: 2023-07-31. Review status: criteria provided, single submitter. Criteria: GeneDx Variant Classification Process June 2021. Collection method: clinical testing. Allele origin: germline. Affected: yes.
Comment: Observed in one individual from a cohort of individuals with a BMI > 40 who underwent sequencing of genes associated with Bardet-Biedl syndrome (Day et al., 2021); In silico analysis supports that this missense variant does not alter protein structure/function; This variant is associated with the following publications: (PMID: 33616283)

Eurofins Ntd Llc (ga)
Classification: Likely benign. Last evaluated: 2018-04-16. Review status: criteria provided, single submitter. Criteria: EGL ClinVar v180209 classification definitions. Collection method: clinical testing. Allele origin: germline. Observed: 1 variant allele, 1 heterozygote.

NM_015910.7(WDPCP):c.385C>G (p.Leu129Val)

Gene: WDPCP (WD repeat containing planar cell polarity effector; minus strand). Cytogenetic location: 2p15.
Variant type: single nucleotide variant.
Coding change: c.385C>G on transcript NM_015910.7 (MANE Select); coding-DNA position 385, C replaced by G.
Protein change: p.Leu129Val; replaces leucine 129 with valine.
Molecular consequence: missense variant. On other transcripts: non-coding transcript variant (2).
Genome position (GRCh38, 1-based): chr2:63,439,871, G>C on the plus strand (C>G on the coding strand, the complement: WDPCP is on the minus strand). VCF-style: chr2-63439871-G-C. GRCh37 (hg19) VCF-style: chr2-63667005-G-C.
Other names: c.313C>G, p.Leu105Val (NM_001354044.2); c.385C>G, p.Leu129Val (NM_001354045.2); short protein forms L129V, L105V.
Identifiers: ClinVar variation 596732 (VCV000596732.17), dbSNP rs191796211, ClinGen allele CA1682480.
Genomic context (GRCh38, chr2:63,439,871, plus strand): 5'-CTTTCTCCAGCTGCGGCCCAGAAAGGCTTAGAGACACCAGCACACCTGAACCAAAAAGGA[G>C]CTAAAACCAGGTAAGTGGGGGAGAGAGGGAGGAAGACATGCTGTGATTTAGAATCTTTAA-3'
Protein context (NP_056994.3, residues 119-139): SKWKNKYVCQ[Leu129Val]LFGSGVLVSL